The following is an entry in ClinVar:

ClinVar aggregate classification (germline): Pathogenic (1 of 4 stars; one submission).

Conditions:
Early-infantile DEE. Also called: Early infantile epileptic encephalopathy with suppression bursts; Ohtahara syndrome; Early infantile epileptic encephalopathy. Identifiers: Orphanet 1934, MedGen C0393706, MONDO:0800491.

Submission:

Labcorp Genetics (formerly Invitae), Labcorp
Classification: Pathogenic for Early-infantile DEE. Last evaluated: 2022-11-28. Review status: criteria provided, single submitter. Criteria: Invitae Variant Classification Sherloc (09022015). Collection method: clinical testing. Allele origin: germline.
Comment: For these reasons, this variant has been classified as Pathogenic. ClinVar contains an entry for this variant (Variation ID: 1359602). This sequence change creates a premature translational stop signal (p.Glu1135*) in the SCN1A gene. It is expected to result in an absent or disrupted protein product. Loss-of-function variants in SCN1A are known to be pathogenic (PMID: 17347258, 18930999). This variant is not present in population databases (gnomAD no frequency). This variant has not been reported in the literature in individuals affected with SCN1A-related conditions.

Literature cited by the submitters: PubMed 17347258; PubMed 18930999.

NM_001165963.4(SCN1A):c.3403G>T (p.Glu1135Ter)

Genes: SCN1A (sodium voltage-gated channel alpha subunit 1; minus strand), LOC102724058 (uncharacterized LOC102724058; plus strand). Cytogenetic location: 2q24.3.
Variant type: single nucleotide variant.
Coding change: c.3403G>T on transcript NM_001165963.4 (MANE Select); coding-DNA position 3403, G replaced by T.
Protein change: p.Glu1135Ter; replaces glutamic acid 1135 with a stop codon.
Molecular consequence: nonsense. On other transcripts: non-coding transcript variant (2).
Genome position (GRCh38, 1-based): chr2:166,036,074, C>A on the plus strand (G>T on the coding strand, the complement: SCN1A is on the minus strand). VCF-style: chr2-166036074-C-A. GRCh37 (hg19) VCF-style: chr2-166892584-C-A.
Other names: c.3319G>T, p.Glu1107Ter (NM_001165964.3, NM_001353957.2, NM_001353958.2); c.3403G>T, p.Glu1135Ter (NM_001202435.3, NM_001353948.2); c.3370G>T, p.Glu1124Ter (NM_001353949.2, NM_001353950.2, NM_001353951.2 and 2 more transcripts); c.3367G>T, p.Glu1123Ter (NM_001353954.2, NM_001353955.2); c.3316G>T, p.Glu1106Ter (NM_001353960.2); c.961G>T, p.Glu321Ter (NM_001353961.2); short protein forms E1135*, E1106*, E1107*, E1124*, E321*, E1123*.
Identifiers: ClinVar variation 1359602 (VCV001359602.7), dbSNP rs2105793066, ClinGen allele CA349059082.